The following is an entry in ClinVar:

NM_001102469.2(LIPN):c.199T>C (p.Tyr67His)

Gene: LIPN (lipase family member N; plus strand). Cytogenetic location: 10q23.31.
Variant type: single nucleotide variant.
Coding change: c.199T>C on transcript NM_001102469.2 (MANE Select); coding-DNA position 199, T replaced by C.
Protein change: p.Tyr67His; replaces tyrosine 67 with histidine.
Molecular consequence: missense variant.
Genome position (GRCh38, 1-based): chr10:88,762,278, T>C. VCF-style: chr10-88762278-T-C. GRCh37 (hg19) VCF-style: chr10-90522035-T-C.
Other names: short protein forms Y67H.
Identifiers: ClinVar variation 4781994 (VCV004781994.1).
Genomic context (GRCh38, chr10:88,762,278, plus strand): 5'-AGTGAAGAGTATGAAGTCACCACTGAAGATGGGTATATACTCCTTGTCAACAGAATTCCT[T>C]ATGGGCGAACACATGCTAGGAGCACAGGTACAAGATATGTCTCTCCTGAAAAGGGGACTG-3'
Protein context (NP_001095939.1, residues 57-77): GYILLVNRIP[Tyr67His]GRTHARSTGP

ClinVar aggregate classification (germline): Uncertain significance (1 of 4 stars; one submission).

gnomAD v4.1: 2 of 1,607,432 alleles (0.00012%); highest among the groups gnomAD compares: South Asian, 0.0022%; no homozygotes.

Submission:

Labcorp Genetics (formerly Invitae), Labcorp
Classification: Uncertain significance. Last evaluated: 2025-08-22. Review status: criteria provided, single submitter. Criteria: Invitae Variant Classification Sherloc (09022015). Collection method: clinical testing. Allele origin: germline.
Comment: This sequence change replaces tyrosine, which is neutral and polar, with histidine, which is basic and polar, at codon 67 of the LIPN protein (p.Tyr67His). This variant is not present in population databases (gnomAD no frequency). This variant has not been reported in the literature in individuals affected with LIPN-related conditions. An algorithm developed to predict the effect of missense changes on protein structure and function outputs the following: PolyPhen-2: "Benign". The histidine amino acid residue is found in multiple mammalian species, which suggests that this missense change does not adversely affect protein function. In summary, the available evidence is currently insufficient to determine the role of this variant in disease. Therefore, it has been classified as a Variant of Uncertain Significance.